The following is an entry in ClinVar:

ClinVar aggregate classification (germline): Likely benign (1 of 4 stars; one submission).

gnomAD v4.1: 10 of 1,210,930 alleles (0.00083%); highest among the groups gnomAD compares: South Asian, 0.0053%; no homozygotes.

Submission:

CeGaT Center for Human Genetics Tuebingen
Classification: Likely benign. Last evaluated: 2025-01-01. Review status: criteria provided, single submitter. Criteria: CeGaT Center For Human Genetics Tuebingen Variant Classification Criteria Version 2. Collection method: clinical testing. Allele origin: germline. Affected: yes. Observed: 1 variant allele.
Comment: IQSEC2: BS2

NM_001111125.3(IQSEC2):c.2957G>A (p.Arg986His)

Gene: IQSEC2 (IQ motif and Sec7 domain ArfGEF 2; minus strand). Cytogenetic location: Xp11.22.
Variant type: single nucleotide variant.
Coding change: c.2957G>A on transcript NM_001111125.3 (MANE Select); coding-DNA position 2957, G replaced by A.
Protein change: p.Arg986His; replaces arginine 986 with histidine.
Molecular consequence: missense variant.
Genome position (GRCh38, 1-based): chrX:53,241,842, C>T on the plus strand (G>A on the coding strand, the complement: IQSEC2 is on the minus strand). VCF-style: chrX-53241842-C-T. GRCh37 (hg19) VCF-style: chrX-53271024-C-T.
Other names: c.2957G>A, p.Arg986His (NM_001410736.1); c.2342G>A, p.Arg781His (NM_015075.2); short protein forms R781H, R986H.
Identifiers: ClinVar variation 3772202 (VCV003772202.13).
Genomic context (GRCh38, chrX:53,241,842, plus strand): 5'-ACCACAAGGAGATCATTGAAGAGGAAGACCTCCCGCTGATGCAACCCTAGCCTCTGGGGG[C>T]GGTTTGGATCTGGCACCTCGTAGAGCTGGCAGCAGCAAACCAGTCGACGGTGAGGGAGAG-3'
Protein context (NP_001104595.1, residues 976-996): CQLYEVPDPN[Arg986His]PQRLGLHQRE